The following is an entry in ClinVar:

ClinVar aggregate classification (germline): Uncertain significance (1 of 4 stars; one submission).

Conditions:
Coffin-Lowry syndrome (CLS). Also called: Mental retardation with osteocartilaginous abnormalities; COFFIN-LOWRY SYNDROME, MILD. Identifiers: Orphanet 192, MedGen C0265252, MONDO:0010561, OMIM 303600.

Submission:

3billion
Classification: Uncertain significance for Coffin-Lowry syndrome. Last evaluated: 2023-06-01. Review status: criteria provided, single submitter. Criteria: ACMG Guidelines, 2015. Collection method: clinical testing. Allele origin: germline. Affected: yes.
Comment: The variant is not observed in the gnomAD v2.1.1 dataset. Predicted Consequence/Location: Missense changes are a common disease-causing mechanism. In silico tool predictions suggest damaging effect of the variant on gene or gene product (REVEL: 0.98; 3Cnet: 0.74). A different missense change at the same codon (p.Asp193Asn) has been reported to be associated with RPS6KA3 related disorder (PMID: 11180593). However the evidence of pathogenicity is insufficient at this time. Therefore, this variant is classified as VUS according to the recommendation of ACMG/AMP guideline.

Literature cited by the submitters: PubMed 11180593.

NM_004586.3(RPS6KA3):c.578A>G (p.Asp193Gly)

Gene: RPS6KA3 (ribosomal protein S6 kinase A3; minus strand). Cytogenetic location: Xp22.12.
Variant type: single nucleotide variant.
Coding change: c.578A>G on transcript NM_004586.3 (MANE Select); coding-DNA position 578, A replaced by G.
Protein change: p.Asp193Gly; replaces aspartic acid 193 with glycine.
Molecular consequence: missense variant.
Genome position (GRCh38, 1-based): chrX:20,193,502, T>C on the plus strand (A>G on the coding strand, the complement: RPS6KA3 is on the minus strand). VCF-style: chrX-20193502-T-C. GRCh37 (hg19) VCF-style: chrX-20211620-T-C.
Other names: short protein forms D193G.
Identifiers: ClinVar variation 3775941 (VCV003775941.1).